The following is an entry in ClinVar:

ClinVar aggregate classification (germline): Benign/Likely benign. Review status: criteria provided, multiple submitters, no conflicts (2 of 4 stars). 6 submissions from 6 submitters: Benign (3); Likely benign (3). Last evaluated 2026-06-01.

Conditions:
Bohring-Opitz syndrome. Also called: BOHRING SYNDROME; OPITZ TRIGONOCEPHALY-LIKE SYNDROME; ASXL1-Related Bohring-Opitz Syndrome; C-LIKE SYNDROME. Identifiers: Orphanet 97297, MedGen C0796232, MONDO:0011510, OMIM 605039.
Inborn genetic diseases. Identifiers: MedGen C0950123, MeSH D030342.

Allele frequency attached by ClinVar (database versions not stated): gnomAD exomes 0.00015 and 0.00035; ExAC 0.00044; gnomAD 0.00149 and 0.00156; ESP Exome Variant Server 0.00161; TOPMed 0.00169; 1000 Genomes Project 30x 0.00250; 1000 Genomes Project 0.00260.
gnomAD v4.1: 463 of 1,614,170 alleles (0.029%); highest among the groups gnomAD compares: African/African-American, 0.49%; 4 homozygotes.

Submissions (6):

CeGaT Center for Human Genetics Tuebingen
Classification: Likely benign. Last evaluated: 2026-06-01. Review status: criteria provided, single submitter. Criteria: CeGaT Center For Human Genetics Tuebingen Variant Classification Criteria Version 2. Collection method: clinical testing. Allele origin: germline. Affected: yes. Observed: 1 variant allele.
Comment: ASXL1: BP4, BP7, BS1

Labcorp Genetics (formerly Invitae), Labcorp
Classification: Benign. Last evaluated: 2026-01-09. Review status: criteria provided, single submitter. Criteria: Invitae Variant Classification Sherloc (09022015). Collection method: clinical testing. Allele origin: germline.

Ambry Genetics
Classification: Likely benign for Inborn genetic diseases. Last evaluated: 2024-11-18. Review status: criteria provided, single submitter. Criteria: Ambry Variant Classification Scheme 2023. Collection method: clinical testing. Allele origin: germline.

Blueprint Genetics
Classification: Likely benign. Last evaluated: 2024-08-29. Review status: criteria provided, single submitter. Criteria: ACMG Guidelines, 2015. Collection method: clinical testing. Allele origin: germline.

Genome-Nilou Lab
Classification: Benign for Bohring-Opitz syndrome. Last evaluated: 2021-12-05. Review status: criteria provided, single submitter. Criteria: ACMG Guidelines, 2015. Collection method: clinical testing. Allele origin: germline. Affected: no.

GeneDx
Classification: Benign. Last evaluated: 2019-03-25. Review status: criteria provided, single submitter. Criteria: GeneDx Variant Classification Process June 2021. Collection method: clinical testing. Allele origin: germline. Affected: yes.

NM_015338.6(ASXL1):c.3384C>T (p.Asp1128=)

Gene: ASXL1 (ASXL transcriptional regulator 1; plus strand). Cytogenetic location: 20q11.21.
Variant type: single nucleotide variant.
Coding change: c.3384C>T on transcript NM_015338.6 (MANE Select); coding-DNA position 3384, C replaced by T.
Protein change: p.Asp1128=; no amino-acid change (aspartic acid 1128 retained).
Molecular consequence: synonymous variant.
Genome position (GRCh38, 1-based): chr20:32,436,096, C>T. VCF-style: chr20-32436096-C-T. GRCh37 (hg19) VCF-style: chr20-31023899-C-T.
Other names: c.3201C>T, p.Asp1067= (NM_001363734.1).
Identifiers: ClinVar variation 724218 (VCV000724218.17), dbSNP rs149359320, ClinGen allele CA9808808.